The following is an entry in ClinVar:

ClinVar aggregate classification (germline): Uncertain significance. Review status: criteria provided, multiple submitters, no conflicts (2 of 4 stars). 2 submissions from 2 submitters: Uncertain significance (2). Last evaluated 2022-11-03.

Submissions (2):

Labcorp Genetics (formerly Invitae), Labcorp
Classification: Uncertain significance. Last evaluated: 2022-11-03. Review status: criteria provided, single submitter. Criteria: Invitae Variant Classification Sherloc (09022015). Collection method: clinical testing. Allele origin: germline.
Comment: This variant, c.7881_7886del, results in the deletion of 2 amino acid(s) of the TNRC18 protein (p.Ser2670_Ser2671del), but otherwise preserves the integrity of the reading frame. The frequency data for this variant in the population databases is considered unreliable, as metrics indicate poor data quality at this position in the gnomAD database. This variant has not been reported in the literature in individuals affected with TNRC18-related conditions. Experimental studies and prediction algorithms are not available or were not evaluated, and the functional significance of this variant is currently unknown. In summary, the available evidence is currently insufficient to determine the role of this variant in disease. Therefore, it has been classified as a Variant of Uncertain Significance.

Breakthrough Genomics
Classification: Uncertain significance. Review status: criteria provided, single submitter. Criteria: ACMG Guidelines, 2015. Collection method: not provided. Allele origin: germline. Inheritance: Unknown mechanism. Affected: yes.

NM_001080495.3(TNRC18):c.7860CTC[7] (p.Ser2670_Ser2671del)

Gene: TNRC18 (trinucleotide repeat containing 18; minus strand). Cytogenetic location: 7p22.1.
Variant type: Microsatellite.
Coding change: c.7860CTC[7] on transcript NM_001080495.3 (MANE Select); seven copies in a row of the 3-base unit CTC starting at c.7860; the reference has nine copies in a row; two copies, 6 bases deleted.
Protein change: p.Ser2670_Ser2671del.
Molecular consequence: inframe deletion.
Genome position (GRCh38, 1-based): chr7:5,313,005-5,313,010, GAGGAG deleted on the plus strand (CTCCTC on the coding strand, the reverse complement: TNRC18 is on the minus strand); deleting any 6 consecutive bases within chr7:5,313,005-5,313,033 gives the same sequence; the position shown is the placement nearest the transcript's 3' end. VCF-style (leftmost placement, unchanged base first): chr7-5313004-TGAGGAG-T. GRCh37 (hg19) VCF-style: chr7-5352635-TGAGGAG-T.
Identifiers: ClinVar variation 1417091 (VCV001417091.4), dbSNP rs753861831, ClinGen allele CA4143556.